The following is an entry in ClinVar:

ClinVar aggregate classification (germline): Pathogenic (1 of 4 stars; one submission).

Conditions:
Inborn genetic diseases. Identifiers: MedGen C0950123, MeSH D030342.

Submission:

Ambry Genetics
Classification: Pathogenic for Inborn genetic diseases. Last evaluated: 2025-08-19. Review status: criteria provided, single submitter. Criteria: Ambry Variant Classification Scheme 2023. Collection method: clinical testing. Allele origin: germline.
Comment: The c.618delC pathogenic mutation, located in coding exon 3 of the MBD4 gene, results from a deletion of one nucleotide at nucleotide position 618, causing a translational frameshift with a predicted alternate stop codon (p.F207Lfs*8). This variant is considered to be rare based on population cohorts in the Genome Aggregation Database (gnomAD). This alteration is expected to result in loss of function by premature protein truncation or nonsense-mediated mRNA decay. As such, this alteration is interpreted as a disease-causing mutation.

NM_001276270.2(MBD4):c.618del (p.Phe207fs)

Gene: MBD4 (methyl-CpG binding domain 4, DNA glycosylase; minus strand). Cytogenetic location: 3q21.3.
Variant type: Deletion.
Coding change: c.618del on transcript NM_001276270.2 (MANE Select); coding-DNA position 618, one base deleted (C; older notation c.618delC).
Protein change: p.Phe207fs; shifts the reading frame from phenylalanine 207.
Molecular consequence: frameshift variant. On other transcripts: intron variant (1).
Genome position (GRCh38, 1-based): chr3:129,437,026, G deleted on the plus strand (C on the coding strand, the reverse complement: MBD4 is on the minus strand). VCF-style (leftmost placement, unchanged base first): chr3-129437025-AG-A. GRCh37 (hg19) VCF-style: chr3-129155868-AG-A.
Other names: c.618del, p.Phe207fs (NM_001276271.2, NM_001276272.2, NM_003925.3); c.247+782del (NM_001276273.2); c.618delC (NM_001276270.2); short protein forms F207fs.
Identifiers: ClinVar variation 4104656 (VCV004104656.1).